The following is an entry in ClinVar:

NM_000038.6(APC):c.2466_2467insA (p.Ser823fs)

Gene: APC (APC regulator of Wnt signaling pathway; plus strand). Cytogenetic location: 5q22.2.
Variant type: Insertion.
Coding change: c.2466_2467insA on transcript NM_000038.6 (MANE Select); coding-DNA positions 2466 to 2467, A inserted.
Protein change: p.Ser823fs; shifts the reading frame from serine 823.
Molecular consequence: frameshift variant.
Genome position: GRCh38 VCF-style: chr5-112838060-T-TA. GRCh37 (hg19) VCF-style: chr5-112173757-T-TA.
Other names: c.2466_2467insA, p.Ser823fs (NM_001127510.3, NM_001354895.2); c.2412_2413insA, p.Ser805fs (NM_001127511.3); c.2520_2521insA, p.Ser841fs (NM_001354896.2); c.2496_2497insA, p.Ser833fs (NM_001354897.2); c.2391_2392insA, p.Ser798fs (NM_001354898.2); c.2382_2383insA, p.Ser795fs (NM_001354899.2); c.2343_2344insA, p.Ser782fs (NM_001354900.2); c.2289_2290insA, p.Ser764fs (NM_001354901.2); and 5 more; short protein forms S540fs, S697fs, S722fs, S805fs, S823fs, S833fs, S663fs, S732fs.
Identifiers: ClinVar variation 580121 (VCV000580121.11), dbSNP rs1561577342, ClinGen allele CA891842603.
Genomic context (GRCh38, chr5:112,838,060, plus strand): 5'-CACCAATCGACATGATGATAATAGGTCAGACAATTTTAATACTGGCAACATGACTGTCCT[T>TA]TCACCATATTTGAATACTACAGTGTTACCCAGCTCCTCTTCATCAAGAGGAAGCTTAGAT-3'

ClinVar aggregate classification (germline): Pathogenic. Review status: criteria provided, multiple submitters, no conflicts (2 of 4 stars). 2 submissions from 2 submitters: Pathogenic (2). Last evaluated 2023-05-04.

Conditions:
Familial adenomatous polyposis 1 (FAP1). Also called: FAMILIAL ADENOMATOUS POLYPOSIS 1, ATTENUATED; POLYPOSIS, ADENOMATOUS INTESTINAL. Identifiers: MedGen C2713442, MONDO:0021056, OMIM 175100. Disease mechanism: loss of function.

Submissions (2):

Myriad Genetics, Inc.
Classification: Pathogenic for Familial adenomatous polyposis 1. Last evaluated: 2023-05-04. Review status: criteria provided, single submitter. Criteria: Myriad Autosomal Dominant, Autosomal Recessive and X-Linked Classification Criteria (2023). Collection method: clinical testing. Allele origin: unknown.
Comment: This variant is considered pathogenic. This variant creates a frameshift predicted to result in premature protein truncation.

Labcorp Genetics (formerly Invitae), Labcorp
Classification: Pathogenic for Familial adenomatous polyposis 1. Last evaluated: 2018-06-06. Review status: criteria provided, single submitter. Criteria: Invitae Variant Classification Sherloc (09022015). Collection method: clinical testing. Allele origin: germline.
Comment: For these reasons, this variant has been classified as Pathogenic. A different truncation (p.Ser932*) that lies downstream of this variant has been determined to be pathogenic (PMID: 1338764, 20685668,10083733). This suggests that deletion of this region of the APC protein is causative of disease. This variant has not been reported in the literature in individuals with APC-related disease. This variant is not present in population databases (ExAC no frequency). This sequence change results in a premature translational stop signal in the APC gene (p.Ser823Ilefs*21). While this is not anticipated to result in nonsense mediated decay, it is expected to disrupt the last 2,021 amino acids of the APC protein.

Literature cited by the submitters: PubMed 1338764 (cited by Labcorp Genetics (formerly Invitae), Labcorp); PubMed 20685668 (cited by Labcorp Genetics (formerly Invitae), Labcorp); PubMed 10083733 (cited by Labcorp Genetics (formerly Invitae), Labcorp).